The following is an entry in ClinVar:

NM_003227.4(TFR2):c.1862C>A (p.Ala621Asp)

Gene: TFR2 (transferrin receptor 2; minus strand). Cytogenetic location: 7q22.1.
Variant type: single nucleotide variant.
Coding change: c.1862C>A on transcript NM_003227.4 (MANE Select); coding-DNA position 1862, C replaced by A.
Protein change: p.Ala621Asp; replaces alanine 621 with aspartic acid.
Molecular consequence: missense variant.
Genome position (GRCh38, 1-based): chr7:100,627,397, G>T on the plus strand (C>A on the coding strand, the complement: TFR2 is on the minus strand). VCF-style: chr7-100627397-G-T. GRCh37 (hg19) VCF-style: chr7-100225020-G-T.
Other names: c.1349C>A, p.Ala450Asp (NM_001206855.3); short protein forms A450D, A621D.
Identifiers: ClinVar variation 2063961 (VCV002063961.4), dbSNP rs1056668646, ClinGen allele CA368525033.

ClinVar aggregate classification (germline): Uncertain significance (1 of 4 stars; one submission).

Conditions:
Hereditary hemochromatosis (HFE). Identifiers: MedGen C0392514, MONDO:0006507. Disease mechanism: loss of function.

Submission:

Labcorp Genetics (formerly Invitae), Labcorp
Classification: Uncertain significance for Hereditary hemochromatosis. Last evaluated: 2021-12-28. Review status: criteria provided, single submitter. Criteria: Invitae Variant Classification Sherloc (09022015). Collection method: clinical testing. Allele origin: germline.
Comment: In summary, the available evidence is currently insufficient to determine the role of this variant in disease. Therefore, it has been classified as a Variant of Uncertain Significance. Algorithms developed to predict the effect of missense changes on protein structure and function are either unavailable or do not agree on the potential impact of this missense change (SIFT: "Deleterious"; PolyPhen-2: "Benign"; Align-GVGD: "Class C65"). This variant has not been reported in the literature in individuals affected with TFR2-related conditions. This variant is not present in population databases (gnomAD no frequency). This sequence change replaces alanine, which is neutral and non-polar, with aspartic acid, which is acidic and polar, at codon 621 of the TFR2 protein (p.Ala621Asp).